The following is an entry in ClinVar:

NM_058216.3(RAD51C):c.576C>G (p.His192Gln)

Gene: RAD51C (RAD51 paralog C; plus strand). Cytogenetic location: 17q22.
Variant type: single nucleotide variant.
Coding change: c.576C>G on transcript NM_058216.3 (MANE Select); coding-DNA position 576, C replaced by G.
Protein change: p.His192Gln; replaces histidine 192 with glutamine.
Molecular consequence: missense variant. On other transcripts: non-coding transcript variant (1).
Genome position (GRCh38, 1-based): chr17:58,703,200, C>G. VCF-style: chr17-58703200-C-G. GRCh37 (hg19) VCF-style: chr17-56780561-C-G.
Other names: c.*4C>G (NM_058217.1); short protein forms H192Q.
Identifiers: ClinVar variation 2832390 (VCV002832390.3), dbSNP rs2143796505, ClinGen allele CA400349019.
Genomic context (GRCh38, chr17:58,703,200, plus strand): 5'-CAATTGCCAATACATCCAAACAGGTAAAACTAATTAAGAGTGTTTTGTTGTTTCAGAACA[C>G]CGAAAAGCTTTGGAGGATTTCACTCTTGATAATATTCTTTCTCATATTTATTATTTTCGC-3'
Protein context (NP_478123.1, residues 182-202): LIAEKHKGEE[His192Gln]RKALEDFTLD

ClinVar aggregate classification (germline): Uncertain significance (1 of 4 stars; one submission).

Conditions:
Fanconi anemia complementation group O. Also called: RAD51C-Related Fanconi Anemia. Identifiers: Orphanet 84, MedGen C3150653, MONDO:0013248, OMIM 613390.

Submission:

Labcorp Genetics (formerly Invitae), Labcorp
Classification: Uncertain significance for Fanconi anemia complementation group O. Last evaluated: 2023-01-28. Review status: criteria provided, single submitter. Criteria: Invitae Variant Classification Sherloc (09022015). Collection method: clinical testing. Allele origin: germline.
Comment: Algorithms developed to predict the effect of sequence changes on RNA splicing suggest that this variant may create or strengthen a splice site. In summary, the available evidence is currently insufficient to determine the role of this variant in disease. Therefore, it has been classified as a Variant of Uncertain Significance. This sequence change replaces histidine, which is basic and polar, with glutamine, which is neutral and polar, at codon 192 of the RAD51C protein (p.His192Gln). This variant is not present in population databases (gnomAD no frequency). This variant has not been reported in the literature in individuals affected with RAD51C-related conditions. Algorithms developed to predict the effect of missense changes on protein structure and function output the following: SIFT: "Tolerated"; PolyPhen-2: "Benign"; Align-GVGD: "Class C0". The glutamine amino acid residue is found in multiple mammalian species, which suggests that this missense change does not adversely affect protein function.